The following is an entry in ClinVar:

ClinVar aggregate classification (germline): Uncertain significance. Review status: criteria provided, multiple submitters, no conflicts (2 of 4 stars). 3 submissions from 3 submitters: Uncertain significance (3). Last evaluated 2025-05-27.

Conditions:
Isolated focal cortical dysplasia type II (FCORD2). Also called: Focal cortical dysplasia type II; CORTICAL DYSPLASIA OF TAYLOR. Identifiers: Orphanet 268994, MedGen C1846385, MONDO:0011818, OMIM 607341, HP:0032051.
Hereditary cancer-predisposing syndrome. Also called: Neoplastic Syndromes, Hereditary; Tumor predisposition; Hereditary Cancer Syndrome; Hereditary neoplastic syndrome. Identifiers: Orphanet 140162, MedGen C0027672, MeSH D009386, MONDO:0015356.
Tuberous sclerosis 2 (TSC2). Identifiers: Orphanet 805, MedGen C1860707, MONDO:0013199, OMIM 613254.

Submissions (3):

Labcorp Genetics (formerly Invitae), Labcorp
Classification: Uncertain significance for Tuberous sclerosis 2. Last evaluated: 2025-05-27. Review status: criteria provided, single submitter. Criteria: Invitae Variant Classification Sherloc (09022015). Collection method: clinical testing. Allele origin: germline.
Comment: This sequence change replaces glutamic acid, which is acidic and polar, with valine, which is neutral and non-polar, at codon 159 of the TSC2 protein (p.Glu159Val). This variant is not present in population databases (gnomAD no frequency). This variant has not been reported in the literature in individuals affected with TSC2-related conditions. ClinVar contains an entry for this variant (Variation ID: 536005). Invitae Evidence Modeling of protein sequence and biophysical properties (such as structural, functional, and spatial information, amino acid conservation, physicochemical variation, residue mobility, and thermodynamic stability) indicates that this missense variant is not expected to disrupt TSC2 protein function with a negative predictive value of 95%. In summary, the available evidence is currently insufficient to determine the role of this variant in disease. Therefore, it has been classified as a Variant of Uncertain Significance.

Baylor Genetics
Classification: Uncertain significance for Isolated focal cortical dysplasia type II. Last evaluated: 2023-09-20. Review status: criteria provided, single submitter. Criteria: ACMG Guidelines, 2015. Collection method: clinical testing. Allele origin: unknown.

Ambry Genetics
Classification: Uncertain significance for Hereditary cancer-predisposing syndrome. Last evaluated: 2023-06-25. Review status: criteria provided, single submitter. Criteria: Ambry Variant Classification Scheme 2023. Collection method: clinical testing. Allele origin: germline.
Comment: The p.E159V variant (also known as c.476A>T), located in coding exon 4 of the TSC2 gene, results from an A to T substitution at nucleotide position 476. The glutamic acid at codon 159 is replaced by valine, an amino acid with dissimilar properties. This amino acid position is conserved. In addition, the in silico prediction for this alteration is inconclusive. Since supporting evidence is limited at this time, the clinical significance of this alteration remains unclear.

NM_000548.5(TSC2):c.476A>T (p.Glu159Val)

Gene: TSC2 (TSC complex subunit 2; plus strand). Cytogenetic location: 16p13.3.
Variant type: single nucleotide variant.
Coding change: c.476A>T on transcript NM_000548.5 (MANE Select); coding-DNA position 476, A replaced by T.
Protein change: p.Glu159Val; replaces glutamic acid 159 with valine.
Molecular consequence: missense variant. On other transcripts: intron variant (1).
Genome position (GRCh38, 1-based): chr16:2,054,435, A>T. VCF-style: chr16-2054435-A-T. GRCh37 (hg19) VCF-style: chr16-2104436-A-T.
Other names: c.476A>T, p.Glu159Val (NM_001077183.3, NM_001114382.3, NM_001363528.2 and 3 more transcripts); c.365A>T, p.Glu122Val (NM_001318827.2); c.329A>T, p.Glu110Val (NM_001318829.2); c.509A>T, p.Glu170Val (NM_001318832.2); c.-1-1761A>T (NM_001318831.2); short protein forms E159V, E110V, E170V, E122V.
Identifiers: ClinVar variation 536005 (VCV000536005.11), dbSNP rs1555497716, ClinGen allele CA394308577.
Genomic context (GRCh38, chr16:2,054,435, plus strand): 5'-GGCTGGAGGTTTTCAAGGCCCTCACAGACAATGGGAGACACATCACCTACTTGGAGGAAG[A>T]GCTGGGTGGGTGCCACCTTGGGTTGGAGGTTTCTCTGGCCTTGACGATCAAGTGTAACCT-3'
Protein context (NP_000539.2, residues 149-169): NGRHITYLEE[Glu159Val]LADFVLQWMD